The following is an entry in ClinVar:

NM_006231.4(POLE):c.1193A>G (p.Lys398Arg)

Gene: POLE (DNA polymerase epsilon, catalytic subunit; minus strand). Cytogenetic location: 12q24.33.
Variant type: single nucleotide variant.
Coding change: c.1193A>G on transcript NM_006231.4 (MANE Select); coding-DNA position 1193, A replaced by G.
Protein change: p.Lys398Arg; replaces lysine 398 with arginine.
Molecular consequence: missense variant.
Genome position (GRCh38, 1-based): chr12:132,675,431, T>C on the plus strand (A>G on the coding strand, the complement: POLE is on the minus strand). VCF-style: chr12-132675431-T-C. GRCh37 (hg19) VCF-style: chr12-133252017-T-C.
Other names: short protein forms K398R.
Identifiers: ClinVar variation 473442 (VCV000473442.20), dbSNP rs1402549512, ClinGen allele CA387360819.

ClinVar aggregate classification (germline): Uncertain significance. Review status: criteria provided, multiple submitters, no conflicts (2 of 4 stars). 4 submissions from 4 submitters: Uncertain significance (4). Last evaluated 2025-09-08.

Conditions:
Hereditary cancer-predisposing syndrome. Also called: Neoplastic Syndromes, Hereditary; Tumor predisposition; Hereditary Cancer Syndrome; Hereditary neoplastic syndrome. Identifiers: Orphanet 140162, MedGen C0027672, MeSH D009386, MONDO:0015356.
Colorectal cancer, susceptibility to, 12 (CRCS12). Also called: COLORECTAL CANCER, SUSCEPTIBILITY TO, ON CHROMOSOME 12q24. Identifiers: Orphanet 220460, MedGen C3554460, MONDO:0014038, OMIM 615083.

Allele frequency attached by ClinVar (database versions not stated): gnomAD exomes below 0.00001; TOPMed below 0.00001; gnomAD 0.00001.

Submissions (4):

GeneDx
Classification: Uncertain significance. Last evaluated: 2025-09-08. Review status: criteria provided, single submitter. Criteria: GeneDx Variant Classification Process June 2021. Collection method: clinical testing. Allele origin: germline. Affected: yes.
Comment: Not observed at significant frequency in large population cohorts (gnomAD); In silico analysis suggests that this missense variant does not alter protein structure/function; Has not been previously published as pathogenic or benign to our knowledge; This variant is associated with the following publications: (PMID: 20951805)

Ambry Genetics
Classification: Uncertain significance for Hereditary cancer-predisposing syndrome. Last evaluated: 2025-03-28. Review status: criteria provided, single submitter. Criteria: Ambry Variant Classification Scheme 2023. Collection method: clinical testing. Allele origin: germline.
Comment: The p.K398R variant (also known as c.1193A>G), located in coding exon 12 of the POLE gene, results from an A to G substitution at nucleotide position 1193. The lysine at codon 398 is replaced by arginine, an amino acid with highly similar properties. This amino acid position is highly conserved in available vertebrate species. In addition, this alteration is predicted to be tolerated by in silico analysis. Based on the available evidence, the clinical significance of this variant remains unclear.

Labcorp Genetics (formerly Invitae), Labcorp
Classification: Uncertain significance. Last evaluated: 2023-12-06. Review status: criteria provided, single submitter. Criteria: Invitae Variant Classification Sherloc (09022015). Collection method: clinical testing. Allele origin: germline.
Comment: This sequence change replaces lysine, which is basic and polar, with arginine, which is basic and polar, at codon 398 of the POLE protein (p.Lys398Arg). This variant is not present in population databases (gnomAD no frequency). This variant has not been reported in the literature in individuals affected with POLE-related conditions. ClinVar contains an entry for this variant (Variation ID: 473442). Advanced modeling of protein sequence and biophysical properties (such as structural, functional, and spatial information, amino acid conservation, physicochemical variation, residue mobility, and thermodynamic stability) performed at Invitae indicates that this missense variant is not expected to disrupt POLE protein function with a negative predictive value of 80%. In summary, the available evidence is currently insufficient to determine the role of this variant in disease. Therefore, it has been classified as a Variant of Uncertain Significance.

Baylor Genetics
Classification: Uncertain significance for Colorectal cancer, susceptibility to, 12. Last evaluated: 2023-05-23. Review status: criteria provided, single submitter. Criteria: ACMG Guidelines, 2015. Collection method: clinical testing. Allele origin: unknown.